The following is an entry in ClinVar:

NM_000112.4(SLC26A2):c.1817del (p.Pro606fs)

Gene: SLC26A2 (solute carrier family 26 member 2; plus strand). Cytogenetic location: 5q32.
Variant type: Deletion.
Coding change: c.1817del on transcript NM_000112.4 (MANE Select); coding-DNA position 1817, one base deleted (C; older notation c.1817delC).
Protein change: p.Pro606fs; shifts the reading frame from proline 606.
Molecular consequence: frameshift variant.
Genome position (GRCh38, 1-based): chr5:149,981,410, C deleted; the last of 3 consecutive C bases (chr5:149,981,408-149,981,410); deleting any one gives the same sequence. VCF-style (leftmost placement, unchanged base first): chr5-149981407-AC-A. GRCh37 (hg19) VCF-style: chr5-149360970-AC-A.
Other names: c.1817delC (NM_000112.3, NM_000112.4); short protein forms P606fs.
Identifiers: ClinVar variation 554186 (VCV000554186.15), dbSNP rs1554095374, ClinGen allele CA658823314.

ClinVar aggregate classification (germline): Pathogenic/Likely pathogenic. Review status: criteria provided, multiple submitters, no conflicts (2 of 4 stars). 7 submissions from 7 submitters: Pathogenic (3); Likely pathogenic (3). 1 of the submissions does not count toward it. Last evaluated 2025-12-09.

Conditions:
Achondrogenesis, type IB (ACG1B). Also called: Achondrogenesis Type 1B. Identifiers: Orphanet 932, Orphanet 93298, MedGen C0265274, MONDO:0010966, OMIM 600972.
Multiple epiphyseal dysplasia type 4 (EDM4). Also called: MULTIPLE EPIPHYSEAL DYSPLASIA WITH BILAYERED PATELLAE; MULTIPLE EPIPHYSEAL DYSPLASIA WITH CLUBFOOT; MULTIPLE EPIPHYSEAL DYSPLASIA, AUTOSOMAL RECESSIVE; SLC26A2-Related Multiple Epiphyseal Dysplasia; Multiple Epiphyseal Dysplasia, Recessive. Identifiers: Orphanet 93307, MedGen C1847593, MONDO:0009189, OMIM 226900.
Atelosteogenesis type II (AO2). Also called: SLC26A2-Related Atelosteogenesis; NEONATAL OSSEOUS DYSPLASIA I; Neonatal osseous dysplasia 1. Identifiers: Orphanet 56304, MedGen C1850554, MONDO:0009727, OMIM 256050.
Diastrophic dysplasia (DTD). Also called: Diastrophic dwarfism. Identifiers: Orphanet 628, MedGen C0220726, MONDO:0009107, OMIM 222600.
Osteochondrodysplasia. Identifiers: MedGen C0029422, MONDO:0005516.

Submissions (7):

Women's Health and Genetics/Laboratory Corporation of America, LabCorp
Classification: Pathogenic for Osteochondrodysplasia. Last evaluated: 2025-12-09. Review status: criteria provided, single submitter. Criteria: LabCorp Variant Classification Summary - May 2015. Collection method: clinical testing. Allele origin: germline.
Comment: Variant summary: SLC26A2 c.1817delC (p.Pro606GlnfsX3) results in a premature termination codon, predicted to cause a truncation of the encoded protein or absence of the protein, which are commonly known mechanisms for disease. This variant disrupts a region of the SLC26A2 protein in which other variant(s) (p.Ala715Val) have been determined to be pathogenic (PMID: 11448940, 15294877, 21077204). The variant was absent in 251070 control chromosomes. To our knowledge, no occurrence of c.1817delC in individuals affected with SLC26A2-related conditions and no experimental evidence demonstrating its impact on protein function have been reported. ClinVar contains an entry for this variant (Variation ID: 554186). Based on the evidence outlined above, the variant was classified as pathogenic.

Natera, Inc.
Classification: Likely pathogenic for Achondrogenesis type IB. Last evaluated: 2025-08-04. Review status: criteria provided, single submitter. Criteria: Natera Variant Classification Schema (03/2026). Collection method: clinical testing. Allele origin: germline.
Comment: The c.1817delC variant in SLC26A2 is a frameshift variant predicted to shift the reading frame beginning at codon 606 and leads to a stop codon 3 codons downstream. This variant is expected to result in nonsense mediated decay, truncation, or a dysfunctional protein product. This variant is rare in the general population with a frequency below the threshold expected for the associated phenotype(s). Given the available evidence, this variant is classified as Likely Pathogenic.

Genetics and Genomic Medicine Centre, NeuroGen Healthcare, NeuroGen Healthcare
Classification: Pathogenic for Achondrogenesis, type IB. Last evaluated: 2025-07-01. Review status: criteria provided, single submitter. Criteria: ACMG Guidelines, 2015. Collection method: clinical testing. Allele origin: unknown. Affected: no.

Baylor Genetics
Classification: Likely pathogenic for Achondrogenesis, type IB. Last evaluated: 2023-07-19. Review status: criteria provided, single submitter. Criteria: ACMG Guidelines, 2015. Collection method: clinical testing. Allele origin: unknown.

Fulgent Genetics
Classification: Likely pathogenic for Diastrophic dysplasia; Multiple epiphyseal dysplasia type 4; Atelosteogenesis type II; Achondrogenesis, type IB. Last evaluated: 2021-11-16. Review status: criteria provided, single submitter. Criteria: ACMG Guidelines, 2015. Collection method: clinical testing. Allele origin: unknown.

Labcorp Genetics (formerly Invitae), Labcorp
Classification: Pathogenic for Atelosteogenesis type II; Multiple epiphyseal dysplasia type 4; Achondrogenesis, type IB; Diastrophic dysplasia. Last evaluated: 2021-03-23. Review status: criteria provided, single submitter. Criteria: Invitae Variant Classification Sherloc (09022015). Collection method: clinical testing. Allele origin: germline.
Comment: For these reasons, this variant has been classified as Pathogenic. This variant disrupts the C-terminus of the SLC26A2 protein. Other variant(s) that disrupt this region (p.Asp673Leufs*2) have been determined to be pathogenic (Invitae). This suggests that variants that disrupt this region of the protein are likely to be causative of disease. This variant has not been reported in the literature in individuals with SLC26A2-related conditions. ClinVar contains an entry for this variant (Variation ID: 554186). This variant is not present in population databases (ExAC no frequency). This sequence change creates a premature translational stop signal (p.Pro606Glnfs*3) in the SLC26A2 gene. While this is not anticipated to result in nonsense mediated decay, it is expected to disrupt the last 134 amino acid(s) of the SLC26A2 protein.

Counsyl
Classification: Likely pathogenic for Multiple epiphyseal dysplasia type 4. Last evaluated: 2017-09-28. Review status: no assertion criteria provided. Collection method: clinical testing. Allele origin: unknown. Not counted in ClinVar's aggregate classification.